The following is an entry in ClinVar:

NM_139318.5(KCNH5):c.2284C>G (p.Gln762Glu)

Gene: KCNH5 (potassium voltage-gated channel subfamily H member 5; minus strand). Cytogenetic location: 14q23.2.
Variant type: single nucleotide variant.
Coding change: c.2284C>G on transcript NM_139318.5 (MANE Select); coding-DNA position 2284, C replaced by G.
Protein change: p.Gln762Glu; replaces glutamine 762 with glutamic acid.
Molecular consequence: missense variant. On other transcripts: 3 prime UTR variant (1).
Genome position (GRCh38, 1-based): chr14:62,708,191, G>C on the plus strand (C>G on the coding strand, the complement: KCNH5 is on the minus strand). VCF-style: chr14-62708191-G-C. GRCh37 (hg19) VCF-style: chr14-63174909-G-C.
Other names: c.*251C>G (NM_172375.3); short protein forms Q762E.
Identifiers: ClinVar variation 2870947 (VCV002870947.3), dbSNP rs1884482133, ClinGen allele CA390100951.

ClinVar aggregate classification (germline): Uncertain significance (1 of 4 stars; one submission).

Conditions:
Early-infantile DEE. Also called: Ohtahara syndrome; Early infantile epileptic encephalopathy; Early infantile epileptic encephalopathy with suppression bursts. Identifiers: Orphanet 1934, MedGen C0393706, MONDO:0800491.

Allele frequency attached by ClinVar (database versions not stated): gnomAD exomes below 0.00001; gnomAD 0.00001.
gnomAD v4.1: 3 of 1,614,122 alleles (0.00019%); highest among the groups gnomAD compares: Non-Finnish European, 0.00025%; no homozygotes.

Submission:

Labcorp Genetics (formerly Invitae), Labcorp
Classification: Uncertain significance for Early-infantile DEE. Last evaluated: 2023-05-30. Review status: criteria provided, single submitter. Criteria: Invitae Variant Classification Sherloc (09022015). Collection method: clinical testing. Allele origin: germline.
Comment: In summary, the available evidence is currently insufficient to determine the role of this variant in disease. Therefore, it has been classified as a Variant of Uncertain Significance. Advanced modeling of protein sequence and biophysical properties (such as structural, functional, and spatial information, amino acid conservation, physicochemical variation, residue mobility, and thermodynamic stability) performed at Invitae indicates that this missense variant is not expected to disrupt KCNH5 protein function. This variant has not been reported in the literature in individuals affected with KCNH5-related conditions. This variant is not present in population databases (gnomAD no frequency). This sequence change replaces glutamine, which is neutral and polar, with glutamic acid, which is acidic and polar, at codon 762 of the KCNH5 protein (p.Gln762Glu).